The following is an entry in ClinVar:

NM_000814.6(GABRB3):c.1080+6C>T

Gene: GABRB3 (gamma-aminobutyric acid type A receptor subunit beta3; minus strand). Cytogenetic location: 15q12.
Variant type: single nucleotide variant.
Coding change: c.1080+6C>T on transcript NM_000814.6 (MANE Select); 6 bases into the intron after coding-DNA position 1080, C replaced by T.
Molecular consequence: intron variant.
Genome position (GRCh38, 1-based): chr15:26,560,926, G>A on the plus strand (C>T on the coding strand, the complement: GABRB3 is on the minus strand). VCF-style: chr15-26560926-G-A. GRCh37 (hg19) VCF-style: chr15-26806073-G-A.
Other names: c.825+6C>T (NM_001278631.2, NM_001191320.2); c.867+6C>T (NM_001191321.3); c.1080+6C>T (NM_021912.5).
Identifiers: ClinVar variation 1675558 (VCV001675558.35), dbSNP rs2140679717, ClinGen allele CA2573150548.

ClinVar aggregate classification (germline): Uncertain significance. Review status: criteria provided, multiple submitters, no conflicts (2 of 4 stars). 2 submissions from 2 submitters: Uncertain significance (2). Last evaluated 2024-05-06.

Conditions:
Epilepsy, childhood absence, susceptibility to, 5. Identifiers: Orphanet 64280, MedGen C2677087, MONDO:0012843, OMIM 612269.
Epilepsy, childhood absence, susceptibility to, 1. Also called: Epilepsy, childhood absence 1. Identifiers: Orphanet 64280, MedGen C1838604, MONDO:0020759, OMIM 600131.

Submissions (2):

Labcorp Genetics (formerly Invitae), Labcorp
Classification: Uncertain significance for Epilepsy, childhood absence, susceptibility to, 5; Epilepsy, childhood absence, susceptibility to, 1. Last evaluated: 2024-05-06. Review status: criteria provided, single submitter. Criteria: Invitae Variant Classification Sherloc (09022015). Collection method: clinical testing. Allele origin: germline.
Comment: This sequence change falls in intron 8 of the GABRB3 gene. It does not directly change the encoded amino acid sequence of the GABRB3 protein. It affects a nucleotide within the consensus splice site. This variant is not present in population databases (gnomAD no frequency). This variant has not been reported in the literature in individuals affected with GABRB3-related conditions. ClinVar contains an entry for this variant (Variation ID: 1675558). Variants that disrupt the consensus splice site are a relatively common cause of aberrant splicing (PMID: 17576681, 9536098). Algorithms developed to predict the effect of sequence changes on RNA splicing suggest that this variant is not likely to affect RNA splicing. In summary, the available evidence is currently insufficient to determine the role of this variant in disease. Therefore, it has been classified as a Variant of Uncertain Significance.

CeGaT Center for Human Genetics Tuebingen
Classification: Uncertain significance. Last evaluated: 2022-03-01. Review status: criteria provided, single submitter. Criteria: CeGaT Center For Human Genetics Tuebingen Variant Classification Criteria Version 2. Collection method: clinical testing. Allele origin: germline. Affected: yes. Observed: 1 variant allele.
Comment: GABRB3: PM2, BP4, BP5

Literature cited by the submitters: PubMed 17576681 (cited by Labcorp Genetics (formerly Invitae), Labcorp); PubMed 9536098 (cited by Labcorp Genetics (formerly Invitae), Labcorp).